The following is an entry in ClinVar:

ClinVar aggregate classification (germline): Uncertain significance (1 of 4 stars; one submission).

Conditions:
Distal myopathy with posterior leg and anterior hand involvement. Also called: WILLIAMS DISTAL MYOPATHY. Identifiers: Orphanet 63273, MedGen C3279722, MONDO:0013550, OMIM 614065.
Hypertrophic cardiomyopathy 26. Also called: Cardiomyopathy, familial hypertrophic, 26. Identifiers: Orphanet 75249, MedGen C4310749, MONDO:0014883, OMIM 617047.
Myofibrillar myopathy 5. Also called: FILAMINOPATHY, AUTOSOMAL DOMINANT; Filaminopathy (type). Identifiers: Orphanet 171445, MedGen C1836050, MONDO:0012289, OMIM 609524.

Submission:

Labcorp Genetics (formerly Invitae), Labcorp
Classification: Uncertain significance for Distal myopathy with posterior leg and anterior hand involvement; Myofibrillar myopathy 5; Hypertrophic cardiomyopathy 26. Last evaluated: 2021-03-22. Review status: criteria provided, single submitter. Criteria: Invitae Variant Classification Sherloc (09022015). Collection method: clinical testing. Allele origin: germline.
Comment: In summary, the available evidence is currently insufficient to determine the role of this variant in disease. Therefore, it has been classified as a Variant of Uncertain Significance. Algorithms developed to predict the effect of missense changes on protein structure and function (SIFT, PolyPhen-2, Align-GVGD) all suggest that this variant is likely to be tolerated, but these predictions have not been confirmed by published functional studies and their clinical significance is uncertain. This variant has not been reported in the literature in individuals with FLNC-related conditions. This variant is not present in population databases (ExAC no frequency). This sequence change replaces lysine with asparagine at codon 2721 of the FLNC protein (p.Lys2721Asn). The lysine residue is moderately conserved and there is a moderate physicochemical difference between lysine and asparagine.

NM_001458.5(FLNC):c.8163A>T (p.Lys2721Asn)

Genes: FLNC-AS1 (FLNC antisense RNA 1; minus strand), FLNC (filamin C; plus strand). Cytogenetic location: 7q32.1.
Variant type: single nucleotide variant.
Coding change: c.8163A>T on transcript NM_001458.5 (MANE Select); coding-DNA position 8163, A replaced by T.
Protein change: p.Lys2721Asn; replaces lysine 2721 with asparagine.
Molecular consequence: missense variant.
Genome position (GRCh38, 1-based): chr7:128,858,508, A>T. VCF-style: chr7-128858508-A-T. GRCh37 (hg19) VCF-style: chr7-128498562-A-T.
Other names: c.8064A>T, p.Lys2688Asn (NM_001127487.2); short protein forms K2688N, K2721N.
Identifiers: ClinVar variation 1473982 (VCV001473982.8), dbSNP rs2128940727, ClinGen allele CA369222188.